The following is an entry in ClinVar:

ClinVar aggregate classification (germline): Uncertain significance (1 of 4 stars; one submission).

Conditions:
Hereditary cancer-predisposing syndrome. Also called: Neoplastic Syndromes, Hereditary; Tumor predisposition; Hereditary neoplastic syndrome; Hereditary Cancer Syndrome. Identifiers: Orphanet 140162, MedGen C0027672, MeSH D009386, MONDO:0015356.

Submission:

Ambry Genetics
Classification: Uncertain significance for Hereditary cancer-predisposing syndrome. Last evaluated: 2018-08-29. Review status: criteria provided, single submitter. Criteria: Ambry Variant Classification Scheme 2023. Collection method: clinical testing. Allele origin: germline.
Comment: The p.A2576S variant (also known as c.7726G>T), located in coding exon 15 of the APC gene, results from a G to T substitution at nucleotide position 7726. The alanine at codon 2576 is replaced by serine, an amino acid with similar properties. This amino acid position is highly conserved in available vertebrate species. In addition, in silico predictors for this gene do not accurately predict pathogenicity. Since supporting evidence is limited at this time, the clinical significance of this alteration remains unclear.

NM_000038.6(APC):c.7726G>T (p.Ala2576Ser)

Gene: APC (APC regulator of Wnt signaling pathway; plus strand). Cytogenetic location: 5q22.2.
Variant type: single nucleotide variant.
Coding change: c.7726G>T on transcript NM_000038.6 (MANE Select); coding-DNA position 7726, G replaced by T.
Protein change: p.Ala2576Ser; replaces alanine 2576 with serine.
Molecular consequence: missense variant.
Genome position (GRCh38, 1-based): chr5:112,843,320, G>T. VCF-style: chr5-112843320-G-T. GRCh37 (hg19) VCF-style: chr5-112179017-G-T.
Other names: c.7726G>T, p.Ala2576Ser (NM_001127510.3, NM_001354895.2); c.7672G>T, p.Ala2558Ser (NM_001127511.3); c.7780G>T, p.Ala2594Ser (NM_001354896.2); c.7756G>T, p.Ala2586Ser (NM_001354897.2); c.7651G>T, p.Ala2551Ser (NM_001354898.2); c.7642G>T, p.Ala2548Ser (NM_001354899.2); c.7603G>T, p.Ala2535Ser (NM_001354900.2); c.7549G>T, p.Ala2517Ser (NM_001354901.2); and 5 more; short protein forms A2293S, A2475S, A2548S, A2558S, A2586S, A2416S, A2450S, A2517S.
Identifiers: ClinVar variation 827223 (VCV000827223.4), dbSNP rs1554088617, ClinGen allele CA16038110.